The following is an entry in ClinVar:

ClinVar aggregate classification (germline): Uncertain significance (1 of 4 stars; one submission).

Submission:

Labcorp Genetics (formerly Invitae), Labcorp
Classification: Uncertain significance. Last evaluated: 2022-03-04. Review status: criteria provided, single submitter. Criteria: Invitae Variant Classification Sherloc (09022015). Collection method: clinical testing. Allele origin: germline.
Comment: This variant, c.94_96del, results in the deletion of 1 amino acid(s) of the GRM7 protein (p.Ala32del), but otherwise preserves the integrity of the reading frame. The frequency data for this variant in the population databases is considered unreliable, as metrics indicate poor data quality at this position in the gnomAD database. This variant has not been reported in the literature in individuals affected with GRM7-related conditions. Experimental studies and prediction algorithms are not available or were not evaluated, and the functional significance of this variant is currently unknown. In summary, the available evidence is currently insufficient to determine the role of this variant in disease. Therefore, it has been classified as a Variant of Uncertain Significance.

NM_000844.4(GRM7):c.85GCG[3] (p.Ala32del)

Gene: GRM7 (glutamate metabotropic receptor 7; plus strand). Cytogenetic location: 3p26.1.
Variant type: Microsatellite.
Coding change: c.85GCG[3] on transcript NM_000844.4 (MANE Select); three copies in a row of the 3-base unit GCG starting at c.85; the reference has four copies in a row; one copy, 3 bases deleted.
Protein change: p.Ala32del; deletes alanine 32.
Molecular consequence: inframe deletion.
Genome position (GRCh38, 1-based): chr3:6,861,482-6,861,484, GCG deleted; deleting any 3 consecutive bases within chr3:6,861,472-6,861,484 gives the same sequence; the position shown is the placement nearest the transcript's 3' end. VCF-style (leftmost placement, unchanged base first): chr3-6861471-TGGC-T. GRCh37 (hg19) VCF-style: chr3-6903158-TGGC-T.
Other names: c.85GCG[3], p.Ala32del (NM_181874.3); short protein forms A32del.
Identifiers: ClinVar variation 2189112 (VCV002189112.1), dbSNP rs752881858, ClinGen allele CA2234507.